The following is an entry in ClinVar:

ClinVar aggregate classification (germline): Uncertain significance. Review status: criteria provided, multiple submitters, no conflicts (2 of 4 stars). 3 submissions from 3 submitters: Uncertain significance (3). Last evaluated 2025-09-10.

Conditions:
Drash syndrome (DDS). Also called: WILMS TUMOR AND PSEUDO- OR TRUE HERMAPHRODITISM; NEPHROPATHY, WILMS TUMOR, AND GENITAL ANOMALIES. Identifiers: Orphanet 220, MedGen C0950121, MONDO:0008682, OMIM 194080.
Wilms tumor 1 (WT1). Also called: Wilms tumor, somatic. Identifiers: Orphanet 654, MedGen CN033288, MONDO:0008679, OMIM 194070.
11p partial monosomy syndrome (WAGR). Also called: WAGR Complex; WAGR Spectrum Disorder; WAGR syndrome; CHROMOSOME 11p13 DELETION SYNDROME. Identifiers: Orphanet 893, MedGen C0206115, MONDO:0008681, OMIM 194072.
Frasier syndrome. Identifiers: Orphanet 347, MedGen C0950122, MeSH D052159, MONDO:0007635, OMIM 136680.
Inborn genetic diseases. Identifiers: MedGen C0950123, MeSH D030342.

Allele frequency attached by ClinVar (database versions not stated): TOPMed below 0.00001; gnomAD 0.00001.
gnomAD v4.1: 4 of 1,505,422 alleles (0.00027%); highest among the groups gnomAD compares: African/African-American, 0.0029%; no homozygotes.

Submissions (3):

Ambry Genetics
Classification: Uncertain significance for Inborn genetic diseases. Last evaluated: 2025-09-10. Review status: criteria provided, single submitter. Criteria: Ambry Variant Classification Scheme 2023. Collection method: clinical testing. Allele origin: germline.
Comment: The p.V83I variant (also known as c.247G>A), located in coding exon 1 of the WT1 gene, results from a G to A substitution at nucleotide position 247. The valine at codon 83 is replaced by isoleucine, an amino acid with highly similar properties. This amino acid position is conserved. In addition, this alteration is predicted to be tolerated by in silico analysis. Based on the available evidence, the clinical significance of this variant remains unclear.

Labcorp Genetics (formerly Invitae), Labcorp
Classification: Uncertain significance for Wilms tumor 1; Drash syndrome; 11p partial monosomy syndrome; Frasier syndrome. Last evaluated: 2023-12-03. Review status: criteria provided, single submitter. Criteria: Invitae Variant Classification Sherloc (09022015). Collection method: clinical testing. Allele origin: germline.
Comment: This sequence change replaces valine, which is neutral and non-polar, with isoleucine, which is neutral and non-polar, at codon 83 of the WT1 protein (p.Val83Ile). This variant is not present in population databases (gnomAD no frequency). This variant has not been reported in the literature in individuals affected with WT1-related conditions. ClinVar contains an entry for this variant (Variation ID: 1502337). Advanced modeling of protein sequence and biophysical properties (such as structural, functional, and spatial information, amino acid conservation, physicochemical variation, residue mobility, and thermodynamic stability) has been performed at Invitae for this missense variant, however the output from this modeling did not meet the statistical confidence thresholds required to predict the impact of this variant on WT1 protein function. In summary, the available evidence is currently insufficient to determine the role of this variant in disease. Therefore, it has been classified as a Variant of Uncertain Significance.

All of Us Research Program, National Institutes of Health
Classification: Uncertain significance for Wilms tumor 1. Last evaluated: 2023-05-31. Review status: criteria provided, single submitter. Criteria: ACMG Guidelines, 2015. Collection method: clinical testing. Allele origin: germline. Inheritance: Autosomal dominant inheritance. Observed: 2 variant alleles, 2 heterozygotes.
Comment: This study involves interpretation of variants in research participants for the purpose of population health screening. Participant phenotype was not available at the time of variant classification. Additional details can be found in publication PMID: 35346344, PMCID: PMC8962531

NM_024426.6(WT1):c.262G>A (p.Val88Ile)

Genes: WT1 (WT1 transcription factor; minus strand), LOC107982234 (WT1/WT1-AS bi-directional promoter region; plus strand). Cytogenetic location: 11p13.
Variant type: single nucleotide variant.
Coding change: c.262G>A on transcript NM_024426.6 (MANE Select); coding-DNA position 262, G replaced by A.
Protein change: p.Val88Ile; replaces valine 88 with isoleucine.
Molecular consequence: missense variant. On other transcripts: non-coding transcript variant (1).
Genome position (GRCh38, 1-based): chr11:32,435,099, C>T on the plus strand (G>A on the coding strand, the complement: WT1 is on the minus strand). VCF-style: chr11-32435099-C-T. GRCh37 (hg19) VCF-style: chr11-32456645-C-T.
Other names: c.247G>A (NM_024426.4); c.262G>A, p.Val88Ile (NM_000378.6, NM_024424.5); short protein forms V88I.
Identifiers: ClinVar variation 1502337 (VCV001502337.14), dbSNP rs1410971862, ClinGen allele CA379966049.